The following is an entry in ClinVar:

NM_015213.4(DENND5A):c.1441G>A (p.Val481Met)

Gene: DENND5A (DENN domain containing 5A; minus strand). Cytogenetic location: 11p15.4.
Variant type: single nucleotide variant.
Coding change: c.1441G>A on transcript NM_015213.4 (MANE Select); coding-DNA position 1441, G replaced by A.
Protein change: p.Val481Met; replaces valine 481 with methionine.
Molecular consequence: missense variant. On other transcripts: non-coding transcript variant (1).
Genome position (GRCh38, 1-based): chr11:9,180,781, C>T on the plus strand (G>A on the coding strand, the complement: DENND5A is on the minus strand). VCF-style: chr11-9180781-C-T. GRCh37 (hg19) VCF-style: chr11-9202328-C-T.
Other names: c.1441G>A, p.Val481Met (NM_001243254.2, NM_001348748.1); c.1369G>A, p.Val457Met (NM_001348749.2); c.1153G>A, p.Val385Met (NM_001348750.2); short protein forms V481M, V385M, V457M.
Identifiers: ClinVar variation 1992793 (VCV001992793.2), dbSNP rs949596196, ClinGen allele CA217554623.
Genomic context (GRCh38, chr11:9,180,781, plus strand): 5'-CCCTAGCACAGATCACACGTGTCACAGACTCATATACACATCTTACCTTTTCCAGGCTCA[C>T]CCCAGTTCTCTTGACCAAGGCTTGCAGCCGGGCAATAGTTTCATTCTCCTTAAGAAGCTC-3'
Protein context (NP_056028.2, residues 471-491): RLQALVKRTG[Val481Met]SLEKLEVRED

ClinVar aggregate classification (germline): Uncertain significance (1 of 4 stars; one submission).

Allele frequency attached by ClinVar (database versions not stated): gnomAD exomes below 0.00001.

Submission:

Labcorp Genetics (formerly Invitae), Labcorp
Classification: Uncertain significance. Last evaluated: 2022-09-27. Review status: criteria provided, single submitter. Criteria: Invitae Variant Classification Sherloc (09022015). Collection method: clinical testing. Allele origin: germline.
Comment: In summary, the available evidence is currently insufficient to determine the role of this variant in disease. Therefore, it has been classified as a Variant of Uncertain Significance. Advanced modeling of protein sequence and biophysical properties (such as structural, functional, and spatial information, amino acid conservation, physicochemical variation, residue mobility, and thermodynamic stability) performed at Invitae indicates that this missense variant is not expected to disrupt DENND5A protein function. This variant has not been reported in the literature in individuals affected with DENND5A-related conditions. This variant is not present in population databases (gnomAD no frequency). This sequence change replaces valine, which is neutral and non-polar, with methionine, which is neutral and non-polar, at codon 481 of the DENND5A protein (p.Val481Met).